The following is an entry in ClinVar:

NM_001367534.1(CAMK2G):c.292C>G (p.Leu98Val)

Gene: CAMK2G (calcium/calmodulin dependent protein kinase II gamma; minus strand). Cytogenetic location: 10q22.2.
Variant type: single nucleotide variant.
Coding change: c.292C>G on transcript NM_001367534.1 (MANE Select); coding-DNA position 292, C replaced by G.
Protein change: p.Leu98Val; replaces leucine 98 with valine.
Molecular consequence: missense variant. On other transcripts: 5 prime UTR variant (2), non-coding transcript variant (7), intron variant (2).
Genome position (GRCh38, 1-based): chr10:73,852,303, G>C on the plus strand (C>G on the coding strand, the complement: CAMK2G is on the minus strand). VCF-style: chr10-73852303-G-C. GRCh37 (hg19) VCF-style: chr10-75612061-G-C.
Other names: c.292C>G, p.Leu98Val (NM_001204492.2, NM_001222.4, NM_001320898.2 and 28 more transcripts); c.268C>G, p.Leu90Val (NM_001367514.1, NM_001367525.1, NM_001367532.1); c.46C>G, p.Leu16Val (NM_001367524.1, NM_001367539.1); c.-280C>G (NM_001367540.1); c.-462C>G (NM_001367542.1); c.30-2970C>G (NM_001367537.1, NM_001367538.1); short protein forms L16V, L90V, L98V.
Identifiers: ClinVar variation 4819075 (VCV004819075.1).

ClinVar aggregate classification (germline): Uncertain significance (1 of 4 stars; one submission).

Conditions:
Intellectual developmental disorder 59. Also called: INTELLECTUAL DEVELOPMENTAL DISORDER, AUTOSOMAL DOMINANT 59; MENTAL RETARDATION, AUTOSOMAL DOMINANT 59. Identifiers: MedGen C5193190, MONDO:0032795, OMIM 618522.

Submission:

Victorian Clinical Genetics Services, Murdoch Childrens Research Institute
Classification: Uncertain significance for Intellectual developmental disorder 59. Last evaluated: 2026-01-07. Review status: criteria provided, single submitter. Criteria: ACMG Guidelines, 2015. Collection method: clinical testing. Allele origin: germline. Affected: yes.
Comment: This variant is classified as VUS-3B. Evidence in support of pathogenic classification: Variant is absent from gnomAD (v2, v3 and v4); Additional information: Variant is predicted to result in a missense amino acid change from Leu to Val; This variant is heterozygous; This gene is associated with autosomal dominant disease; This variant has no previous evidence of pathogenicity; No published evidence of segregation with disease has been identified for this variant; No published functional evidence has been identified for this variant; No comparable missense variants have previous evidence for pathogenicity; Variant is not located in an established domain, motif, hotspot or informative constraint region; Missense variant with inconclusive in silico prediction and/or uninformative conservation; The mechanism of disease for this gene is not clearly established; however, a gain of function mechanism has been suggested for a single recurring missense variant for individuals affected with intellectual developmental disorder, autosomal dominant 59 (MIM#618522; PMID: 30184290).

Literature cited by the submitters: PubMed 30184290.